The following is an entry in ClinVar:

NM_001267550.2(TTN):c.97185_97187del (p.Ile32396del)

Genes: TTN (titin; minus strand), TTN-AS1 (TTN antisense RNA 1; plus strand), LOC129935186 (ATAC-STARR-seq lymphoblastoid active region 16811; plus strand). Cytogenetic location: 2q31.2.
Variant type: Deletion.
Coding change: c.97185_97187del on transcript NM_001267550.2 (MANE Select); coding-DNA positions 97185 to 97187, 3 bases deleted (CAT; older notation c.97185_97187delCAT).
Protein change: p.Ile32396del; deletes isoleucine 32396.
Molecular consequence: inframe deletion.
Genome position (GRCh38, 1-based): chr2:178,542,667-178,542,669, ATG deleted on the plus strand (CAT on the coding strand, the reverse complement: TTN is on the minus strand); deleting any 3 consecutive bases within chr2:178,542,667-178,542,671 gives the same sequence; the c. name uses the placement nearest the transcript's 3' end. VCF-style (leftmost placement, unchanged base first): chr2-178542666-AATG-A. GRCh37 (hg19) VCF-style: chr2-179407393-AATG-A.
Other names: c.70566_70568del, p.Ile23523del (NM_133437.4); c.92262_92264del, p.Ile30755del (NM_001256850.1); c.69990_69992del, p.Ile23331del (NM_003319.4); c.89481_89483del, p.Ile29828del (NM_133378.4); c.70365_70367del, p.Ile23456del (NM_133432.3); short protein forms I23331del, I23456del, I23523del, I29828del, I30755del, I32396del.
Identifiers: ClinVar variation 2651586 (VCV002651586.25), dbSNP rs1415724071, ClinGen allele CA538435057.

ClinVar aggregate classification (germline): Uncertain significance. Review status: criteria provided, multiple submitters, no conflicts (2 of 4 stars). 3 submissions from 3 submitters: Uncertain significance (3). Last evaluated 2026-03-27.

Conditions:
Cardiovascular phenotype. Identifiers: MedGen CN230736.

Submissions (3):

Molecular Diagnostic Laboratory for Inherited Cardiovascular Disease, Montreal Heart Institute
Classification: Uncertain significance for Cardiovascular phenotype. Last evaluated: 2026-03-27. Review status: criteria provided, single submitter. Criteria: ACMG Guidelines, 2015. Collection method: clinical testing. Allele origin: germline. Affected: yes.
Comment: PM2, PM4

Blueprint Genetics
Classification: Uncertain significance. Last evaluated: 2024-11-15. Review status: criteria provided, single submitter. Criteria: ACMG Guidelines, 2015. Collection method: clinical testing. Allele origin: germline.

CeGaT Center for Human Genetics Tuebingen
Classification: Uncertain significance. Last evaluated: 2023-09-01. Review status: criteria provided, single submitter. Criteria: CeGaT Center For Human Genetics Tuebingen Variant Classification Criteria Version 2. Collection method: clinical testing. Allele origin: germline. Affected: yes. Observed: 1 variant allele.
Comment: TTN: PM4:Supporting